The following is an entry in ClinVar:

ClinVar aggregate classification (germline): Uncertain significance (1 of 4 stars; one submission).

gnomAD v4.1: 9 of 1,614,004 alleles (0.00056%); highest among the groups gnomAD compares: East Asian, 0.0022%; no homozygotes.

Submission:

Labcorp Genetics (formerly Invitae), Labcorp
Classification: Uncertain significance. Last evaluated: 2025-02-19. Review status: criteria provided, single submitter. Criteria: Invitae Variant Classification Sherloc (09022015). Collection method: clinical testing. Allele origin: germline.
Comment: This sequence change replaces arginine, which is basic and polar, with histidine, which is basic and polar, at codon 264 of the PPP2R5D protein (p.Arg264His). This variant is present in population databases (rs764831855, gnomAD 0.006%). This variant has not been reported in the literature in individuals affected with PPP2R5D-related conditions. An algorithm developed to predict the effect of missense changes on protein structure and function (PolyPhen-2) suggests that this variant is likely to be disruptive. In summary, the available evidence is currently insufficient to determine the role of this variant in disease. Therefore, it has been classified as a Variant of Uncertain Significance.

NM_006245.4(PPP2R5D):c.791G>A (p.Arg264His)

Gene: PPP2R5D (protein phosphatase 2 regulatory subunit B'delta; plus strand). Cytogenetic location: 6p21.1.
Variant type: single nucleotide variant.
Coding change: c.791G>A on transcript NM_006245.4 (MANE Select); coding-DNA position 791, G replaced by A.
Protein change: p.Arg264His; replaces arginine 264 with histidine.
Molecular consequence: missense variant.
Genome position (GRCh38, 1-based): chr6:43,007,999, G>A. VCF-style: chr6-43007999-G-A. GRCh37 (hg19) VCF-style: chr6-42975737-G-A.
Other names: c.338G>A, p.Arg113His (NM_001270476.2); c.695G>A, p.Arg232His (NM_180976.3); c.473G>A, p.Arg158His (NM_180977.3); short protein forms R264H, R158H, R232H, R113H.
Identifiers: ClinVar variation 4779567 (VCV004779567.1).